The following is an entry in ClinVar:

NM_001384140.1(PCDH15):c.1338T>A (p.Asn446Lys)

Gene: PCDH15 (protocadherin related 15; minus strand). Cytogenetic location: 10q21.1.
Variant type: single nucleotide variant.
Coding change: c.1338T>A on transcript NM_001384140.1 (MANE Select); coding-DNA position 1338, T replaced by A.
Protein change: p.Asn446Lys; replaces asparagine 446 with lysine.
Molecular consequence: missense variant.
Genome position (GRCh38, 1-based): chr10:54,185,236, A>T on the plus strand (T>A on the coding strand, the complement: PCDH15 is on the minus strand). VCF-style: chr10-54185236-A-T. GRCh37 (hg19) VCF-style: chr10-55944996-A-T.
Other names: c.1353T>A, p.Asn451Lys (NM_001142763.2, NM_001142771.2); c.1338T>A, p.Asn446Lys (NM_001142764.2, NM_001142765.2, NM_001142766.2 and 6 more transcripts); c.1227T>A, p.Asn409Lys (NM_001142767.2); c.1272T>A, p.Asn424Lys (NM_001142768.2, NM_001142773.2, NM_001354404.2); c.1374T>A, p.Asn458Lys (NM_001142769.4); c.1359T>A, p.Asn453Lys (NM_001354411.2); short protein forms N424K, N453K, N451K, N458K, N409K, N446K.
Identifiers: ClinVar variation 2126357 (VCV002126357.4), dbSNP rs1461685230, ClinGen allele CA376515548.

ClinVar aggregate classification (germline): Uncertain significance (1 of 4 stars; one submission).

Allele frequency attached by ClinVar (database versions not stated): gnomAD exomes below 0.00001.
gnomAD v4.1: 1 of 1,613,722 alleles (0.000062%); highest among the groups gnomAD compares: Non-Finnish European, 0.000085%; no homozygotes.

Submission:

Labcorp Genetics (formerly Invitae), Labcorp
Classification: Uncertain significance. Last evaluated: 2023-10-03. Review status: criteria provided, single submitter. Criteria: Invitae Variant Classification Sherloc (09022015). Collection method: clinical testing. Allele origin: germline.
Comment: This sequence change replaces asparagine, which is neutral and polar, with lysine, which is basic and polar, at codon 446 of the PCDH15 protein (p.Asn446Lys). This variant is not present in population databases (gnomAD no frequency). This variant has not been reported in the literature in individuals affected with PCDH15-related conditions. ClinVar contains an entry for this variant (Variation ID: 2126357). Advanced modeling of protein sequence and biophysical properties (such as structural, functional, and spatial information, amino acid conservation, physicochemical variation, residue mobility, and thermodynamic stability) performed at Invitae indicates that this missense variant is not expected to disrupt PCDH15 protein function. In summary, the available evidence is currently insufficient to determine the role of this variant in disease. Therefore, it has been classified as a Variant of Uncertain Significance.